The following is an entry in ClinVar:

ClinVar aggregate classification (germline): Uncertain significance (1 of 4 stars; one submission).

Conditions:
Familial thoracic aortic aneurysm and aortic dissection (TAAD). Also called: Thoracic aortic aneurysms and dissections. Identifiers: Orphanet 91387, MedGen C4707243, MONDO:0019625.

Submission:

Ambry Genetics
Classification: Uncertain significance for Familial thoracic aortic aneurysm and aortic dissection. Last evaluated: 2021-06-30. Review status: criteria provided, single submitter. Criteria: Ambry Variant Classification Scheme 2023. Collection method: clinical testing. Allele origin: germline.
Comment: The p.V484M variant (also known as c.1450G>A), located in coding exon 4 of the SKI gene, results from a G to A substitution at nucleotide position 1450. The valine at codon 484 is replaced by methionine, an amino acid with highly similar properties. This amino acid position is conserved. In addition, the in silico prediction for this alteration is inconclusive. Since supporting evidence is limited at this time, the clinical significance of this alteration remains unclear.

NM_003036.4(SKI):c.1450G>A (p.Val484Met)

Gene: SKI (SKI proto-oncogene; plus strand). Cytogenetic location: 1p36.32.
Variant type: single nucleotide variant.
Coding change: c.1450G>A on transcript NM_003036.4 (MANE Select); coding-DNA position 1450, G replaced by A.
Protein change: p.Val484Met; replaces valine 484 with methionine.
Molecular consequence: missense variant.
Genome position (GRCh38, 1-based): chr1:2,304,078, G>A. VCF-style: chr1-2304078-G-A. GRCh37 (hg19) VCF-style: chr1-2235517-G-A.
Other names: short protein forms V484M.
Identifiers: ClinVar variation 1772946 (VCV001772946.2), dbSNP rs2521488078, ClinGen allele CA337956804.
Genomic context (GRCh38, chr1:2,304,078, plus strand): 5'-GCCCCAGAGACGCTGGCGCCCGTGGCTGCCCCAGAGGAGGACAAGGACTCGGAGGCGGAG[G>A]TGGAAGTTGAAAGCAGGGAGGAATGTACGTGTGAGTCGCTTTCTGTGCCTCCTCCCTGTG-3'
Protein context (NP_003027.1, residues 474-494): PEEDKDSEAE[Val484Met]EVESREEFTS